The following is an entry in ClinVar:

ClinVar aggregate classification (germline): Uncertain significance (1 of 4 stars; one submission).

Allele frequency attached by ClinVar (database versions not stated): gnomAD exomes below 0.00001.
gnomAD v4.1: 1 of 1,614,158 alleles (0.000062%); highest among the groups gnomAD compares: Non-Finnish European, 0.000085%; no homozygotes.

Submission:

Labcorp Genetics (formerly Invitae), Labcorp
Classification: Uncertain significance. Last evaluated: 2023-10-13. Review status: criteria provided, single submitter. Criteria: Invitae Variant Classification Sherloc (09022015). Collection method: clinical testing. Allele origin: germline.
Comment: This sequence change replaces tyrosine, which is neutral and polar, with cysteine, which is neutral and slightly polar, at codon 684 of the KCNH1 protein (p.Tyr684Cys). This variant is not present in population databases (gnomAD no frequency). This variant has not been reported in the literature in individuals affected with KCNH1-related conditions. ClinVar contains an entry for this variant (Variation ID: 1914533). Advanced modeling of protein sequence and biophysical properties (such as structural, functional, and spatial information, amino acid conservation, physicochemical variation, residue mobility, and thermodynamic stability) has been performed at Invitae for this missense variant, however the output from this modeling did not meet the statistical confidence thresholds required to predict the impact of this variant on KCNH1 protein function. In summary, the available evidence is currently insufficient to determine the role of this variant in disease. Therefore, it has been classified as a Variant of Uncertain Significance.

NM_172362.3(KCNH1):c.2051A>G (p.Tyr684Cys)

Gene: KCNH1 (potassium voltage-gated channel subfamily H member 1; minus strand). Cytogenetic location: 1q32.2.
Variant type: single nucleotide variant.
Coding change: c.2051A>G on transcript NM_172362.3 (MANE Select); coding-DNA position 2051, A replaced by G.
Protein change: p.Tyr684Cys; replaces tyrosine 684 with cysteine.
Molecular consequence: missense variant.
Genome position (GRCh38, 1-based): chr1:210,775,409, T>C on the plus strand (A>G on the coding strand, the complement: KCNH1 is on the minus strand). VCF-style: chr1-210775409-T-C. GRCh37 (hg19) VCF-style: chr1-210948751-T-C.
Other names: c.1970A>G, p.Tyr657Cys (NM_002238.4); short protein forms Y684C, Y657C.
Identifiers: ClinVar variation 1914533 (VCV001914533.5), dbSNP rs2526747494, ClinGen allele CA344872000.